The following is an entry in ClinVar:

ClinVar aggregate classification (germline): Uncertain significance (1 of 4 stars; one submission).

Conditions:
Inborn genetic diseases. Identifiers: MedGen C0950123, MeSH D030342.

Submission:

Ambry Genetics
Classification: Uncertain significance for Inborn genetic diseases. Last evaluated: 2025-09-26. Review status: criteria provided, single submitter. Criteria: Ambry Variant Classification Scheme 2023. Collection method: clinical testing. Allele origin: germline.
Comment: The p.D1098E variant (also known as c.3294C>G), located in coding exon 1 of the SAMD9 gene, results from a C to G substitution at nucleotide position 3294. The aspartic acid at codon 1098 is replaced by glutamic acid, an amino acid with highly similar properties. This amino acid position is conserved. In addition, this alteration is predicted to be tolerated by in silico analysis. Based on the available evidence, the clinical significance of this variant remains unclear.

NM_017654.4(SAMD9):c.3294C>G (p.Asp1098Glu)

Gene: SAMD9 (sterile alpha motif domain containing 9; minus strand). Cytogenetic location: 7q21.2.
Variant type: single nucleotide variant.
Coding change: c.3294C>G on transcript NM_017654.4 (MANE Select); coding-DNA position 3294, C replaced by G.
Protein change: p.Asp1098Glu; replaces aspartic acid 1098 with glutamic acid.
Molecular consequence: missense variant.
Genome position (GRCh38, 1-based): chr7:93,102,804, G>C on the plus strand (C>G on the coding strand, the complement: SAMD9 is on the minus strand). VCF-style: chr7-93102804-G-C. GRCh37 (hg19) VCF-style: chr7-92732117-G-C.
Other names: c.3294C>G, p.Asp1098Glu (NM_001193307.2); short protein forms D1098E.
Identifiers: ClinVar variation 4629828 (VCV004629828.1).